The following is an entry in ClinVar:

NM_001371727.1(GABRB2):c.1057A>T (p.Met353Leu)

Gene: GABRB2 (gamma-aminobutyric acid type A receptor subunit beta2; minus strand). Cytogenetic location: 5q34.
Variant type: single nucleotide variant.
Coding change: c.1057A>T on transcript NM_001371727.1 (MANE Select); coding-DNA position 1057, A replaced by T.
Protein change: p.Met353Leu; replaces methionine 353 with leucine.
Molecular consequence: missense variant.
Genome position (GRCh38, 1-based): chr5:161,330,903, T>A on the plus strand (A>T on the coding strand, the complement: GABRB2 is on the minus strand). VCF-style: chr5-161330903-T-A. GRCh37 (hg19) VCF-style: chr5-160757910-T-A.
Other names: c.1057A>T, p.Met353Leu (NM_000813.3, NM_021911.3); short protein forms M353L.
Identifiers: ClinVar variation 953693 (VCV000953693.12), dbSNP rs1014388930, ClinGen allele CA131019989.
Genomic context (GRCh38, chr5:161,330,903, plus strand): 5'-TGAGTTTAAGAAGCAAGGAGGGCTTGCCCTCTGAATTTACCTTGTTGACATCCAGGCGCA[T>A]CTTCTCATTGTTGGCACTGGCAGCCTTCTCAGCTGCTTTCTTTTGGCGTTGGGGCCCCCT-3'
Protein context (NP_001358656.1, residues 343-363): EKAASANNEK[Met353Leu]RLDVNKIFYK

ClinVar aggregate classification (germline): Conflicting classifications of pathogenicity. Review status: criteria provided, conflicting classifications (1 of 4 stars). 2 submissions from 2 submitters: Uncertain significance (1); Benign (1). Last evaluated 2025-04-07.

Conditions:
Intellectual disability. Also called: Intellectual functioning disability; Intellectual developmental disorder; intellectual disabilities. Identifiers: MedGen C3714756, MeSH D008607, MONDO:0001071, HP:0001249.

Allele frequency attached by ClinVar (database versions not stated): gnomAD exomes below 0.00001; TOPMed below 0.00001.
gnomAD v4.1: 3 of 1,614,254 alleles (0.00019%); highest among the groups gnomAD compares: Admixed American, 0.0033%; no homozygotes.

Submissions (2):

Labcorp Genetics (formerly Invitae), Labcorp
Classification: Benign for Intellectual disability. Last evaluated: 2025-04-07. Review status: criteria provided, single submitter. Criteria: Invitae Variant Classification Sherloc (09022015). Collection method: clinical testing. Allele origin: germline.

Laboratorio de Genetica e Diagnostico Molecular, Hospital Israelita Albert Einstein
Classification: Uncertain significance. Last evaluated: 2019-08-12. Review status: criteria provided, single submitter. Criteria: ACMG Guidelines, 2015. Collection method: clinical testing. Allele origin: germline. Affected: yes.
Comment: ACMG classification criteria: PM2, BP4